The following is an entry in ClinVar:

ClinVar aggregate classification (germline): Uncertain significance (1 of 4 stars; one submission).

Allele frequency attached by ClinVar (database versions not stated): gnomAD exomes below 0.00001.
gnomAD v4.1: 1 of 1,611,510 alleles (0.000062%); highest among the groups gnomAD compares: East Asian, 0.0022%; no homozygotes.

Submission:

Labcorp Genetics (formerly Invitae), Labcorp
Classification: Uncertain significance. Last evaluated: 2022-08-14. Review status: criteria provided, single submitter. Criteria: Invitae Variant Classification Sherloc (09022015). Collection method: clinical testing. Allele origin: germline.
Comment: This sequence change replaces isoleucine, which is neutral and non-polar, with valine, which is neutral and non-polar, at codon 2026 of the CDH23 protein (p.Ile2026Val). This variant is not present in population databases (gnomAD no frequency). This variant has not been reported in the literature in individuals affected with CDH23-related conditions. Algorithms developed to predict the effect of missense changes on protein structure and function output the following: SIFT: "Tolerated"; PolyPhen-2: "Not Available"; Align-GVGD: "Class C0". The valine amino acid residue is found in multiple mammalian species, which suggests that this missense change does not adversely affect protein function. In summary, the available evidence is currently insufficient to determine the role of this variant in disease. Therefore, it has been classified as a Variant of Uncertain Significance.

NM_022124.6(CDH23):c.6076A>G (p.Ile2026Val)

Gene: CDH23 (cadherin related 23; plus strand). Cytogenetic location: 10q22.1.
Variant type: single nucleotide variant.
Coding change: c.6076A>G on transcript NM_022124.6 (MANE Select); coding-DNA position 6076, A replaced by G.
Protein change: p.Ile2026Val; replaces isoleucine 2026 with valine.
Molecular consequence: missense variant.
Genome position (GRCh38, 1-based): chr10:71,791,158, A>G. VCF-style: chr10-71791158-A-G. GRCh37 (hg19) VCF-style: chr10-73550915-A-G.
Other names: short protein forms I2026V.
Identifiers: ClinVar variation 2415232 (VCV002415232.3), dbSNP rs2494377335, ClinGen allele CA377152148.